The following is an entry in ClinVar:

NM_001369.3(DNAH5):c.4218del (p.Lys1407fs)

Genes: DNAH5 (dynein axonemal heavy chain 5; minus strand), DNAH5-AS1 (DNAH5 antisense RNA 1; plus strand). Cytogenetic location: 5p15.2.
Variant type: Deletion.
Coding change: c.4218del on transcript NM_001369.3 (MANE Select); coding-DNA position 4218, one base deleted (G; older notation c.4218delG).
Protein change: p.Lys1407fs; shifts the reading frame from lysine 1407.
Molecular consequence: frameshift variant.
Genome position (GRCh38, 1-based): chr5:13,865,805, C deleted on the plus strand (G on the coding strand, the reverse complement: DNAH5 is on the minus strand). VCF-style (leftmost placement, unchanged base first): chr5-13865804-TC-T. GRCh37 (hg19) VCF-style: chr5-13865913-TC-T.
Other names: short protein forms K1407fs.
Identifiers: ClinVar variation 3728063 (VCV003728063.2).

ClinVar aggregate classification (germline): Pathogenic (1 of 4 stars; one submission).

Conditions:
Primary ciliary dyskinesia. Also called: Ciliary dyskinesia. Identifiers: Orphanet 244, MedGen C0008780, MONDO:0016575, HP:0012265.

Submission:

Labcorp Genetics (formerly Invitae), Labcorp
Classification: Pathogenic for Primary ciliary dyskinesia. Last evaluated: 2025-01-27. Review status: criteria provided, single submitter. Criteria: Invitae Variant Classification Sherloc (09022015). Collection method: clinical testing. Allele origin: germline.
Comment: This sequence change creates a premature translational stop signal (p.Lys1407Serfs*3) in the DNAH5 gene. It is expected to result in an absent or disrupted protein product. Loss-of-function variants in DNAH5 are known to be pathogenic (PMID: 11788826, 16627867). This variant is not present in population databases (gnomAD no frequency). This variant has not been reported in the literature in individuals affected with DNAH5-related conditions. Algorithms developed to predict the effect of sequence changes on RNA splicing suggest that this variant may disrupt the consensus splice site. For these reasons, this variant has been classified as Pathogenic.

Literature cited by the submitters: PubMed 11788826; PubMed 16627867.